The following is an entry in ClinVar:

ClinVar aggregate classification (germline): Uncertain significance. Review status: criteria provided, multiple submitters, no conflicts (2 of 4 stars). 3 submissions from 3 submitters: Uncertain significance (2). 1 of the submissions does not count toward it. Last evaluated 2026-02-26.

Conditions:
PROM1-related disorder. Also called: PROM1-related disorders; PROM1-related condition.
Retinal dystrophy. Also called: Inherited retinal dystrophy. Identifiers: Orphanet 71862, MedGen C0854723, MeSH D058499, MONDO:0019118, HP:0000556.

Allele frequency attached by ClinVar (database versions not stated): gnomAD 0.00001 and 0.00002; gnomAD exomes 0.00001; TOPMed 0.00001.
gnomAD v4.1: 9 of 1,613,918 alleles (0.00056%); highest among the groups gnomAD compares: East Asian, 0.0022%; no homozygotes.

Submissions (3):

PreventionGenetics, part of Exact Sciences
Classification: Uncertain significance for PROM1-related condition. Last evaluated: 2026-02-26. Review status: criteria provided, single submitter. Criteria: ACMG Guidelines, 2015. Collection method: clinical testing. Allele origin: germline.
Comment: The PROM1 c.1730A>G variant is predicted to result in the amino acid substitution p.Asn577Ser. To our knowledge, this variant has not been reported in the literature. This variant is reported in 0.0016% of alleles in individuals of European (Non-Finnish) descent in gnomAD. At this time, the clinical significance of this variant is uncertain due to the absence of conclusive functional and genetic evidence.

Labcorp Genetics (formerly Invitae), Labcorp
Classification: Uncertain significance. Last evaluated: 2024-04-01. Review status: criteria provided, single submitter. Criteria: Invitae Variant Classification Sherloc (09022015). Collection method: clinical testing. Allele origin: germline.
Comment: This sequence change replaces asparagine, which is neutral and polar, with serine, which is neutral and polar, at codon 577 of the PROM1 protein (p.Asn577Ser). This variant is present in population databases (no rsID available, gnomAD 0.002%). This variant has not been reported in the literature in individuals affected with PROM1-related conditions. ClinVar contains an entry for this variant (Variation ID: 933813). Advanced modeling of protein sequence and biophysical properties (such as structural, functional, and spatial information, amino acid conservation, physicochemical variation, residue mobility, and thermodynamic stability) has been performed at Invitae for this missense variant, however the output from this modeling did not meet the statistical confidence thresholds required to predict the impact of this variant on PROM1 protein function. In summary, the available evidence is currently insufficient to determine the role of this variant in disease. Therefore, it has been classified as a Variant of Uncertain Significance.

Institute of Human Genetics, Univ. Regensburg, Univ. Regensburg
Classification: Uncertain significance for Retinal dystrophy. Last evaluated: 2021-01-01. Review status: no assertion criteria provided. Criteria: ACMG Guidelines, 2015. Collection method: clinical testing. Allele origin: germline. Affected: yes. Not counted in ClinVar's aggregate classification.

NM_006017.3(PROM1):c.1730A>G (p.Asn577Ser)

Gene: PROM1 (prominin 1; minus strand). Cytogenetic location: 4p15.32.
Variant type: single nucleotide variant.
Coding change: c.1730A>G on transcript NM_006017.3 (MANE Select); coding-DNA position 1730, A replaced by G.
Protein change: p.Asn577Ser; replaces asparagine 577 with serine.
Molecular consequence: missense variant.
Genome position (GRCh38, 1-based): chr4:15,994,024, T>C on the plus strand (A>G on the coding strand, the complement: PROM1 is on the minus strand). VCF-style: chr4-15994024-T-C. GRCh37 (hg19) VCF-style: chr4-15995647-T-C.
Other names: c.1703A>G, p.Asn568Ser (NM_001145847.2, NM_001145848.2, NM_001145851.2 and 4 more transcripts); c.1730A>G, p.Asn577Ser (NM_001145849.2, NM_001145850.2); short protein forms N577S, N568S.
Identifiers: ClinVar variation 933813 (VCV000933813.11), dbSNP rs1448174401, ClinGen allele CA356431313.
Genomic context (GRCh38, chr4:15,994,024, plus strand): 5'-ATTCCATGACGAGTTCTAATTACCTCATTAATGTTGAGATGTTCACTGATATTGAAGCTG[T>C]TCTGCAGGTGAAGAGTGCCGTAAGTGCCTCTATTTTTTTTGCAGTCACTGTGGGAATGAA-3'
Protein context (NP_006008.1, residues 567-587): RGTYGTLHLQ[Asn577Ser]SFNISEHLNI